The following is an entry in ClinVar:

NM_032444.4(SLX4):c.5381C>T (p.Ser1794Leu)

Gene: SLX4 (SLX4 structure-specific endonuclease subunit; minus strand). Cytogenetic location: 16p13.3.
Variant type: single nucleotide variant.
Coding change: c.5381C>T on transcript NM_032444.4 (MANE Select); coding-DNA position 5381, C replaced by T.
Protein change: p.Ser1794Leu; replaces serine 1794 with leucine.
Molecular consequence: missense variant.
Genome position (GRCh38, 1-based): chr16:3,582,466, G>A on the plus strand (C>T on the coding strand, the complement: SLX4 is on the minus strand). VCF-style: chr16-3582466-G-A. GRCh37 (hg19) VCF-style: chr16-3632467-G-A.
Other names: short protein forms S1794L.
Identifiers: ClinVar variation 2721850 (VCV002721850.3), dbSNP rs774442734, ClinGen allele CA7865327.
Genomic context (GRCh38, chr16:3,582,466, plus strand): 5'-CGGGTGGCGGCAGTGGTGAAGGTGATACAGTGGGTGTCCAGGAAGTCCAACAGCCTGCGC[G>A]AGGACACACGGAGGCCGTTCTGCCTCAGCTCTGCCTGCAGCTCCCGCAGCTCAAAGGGCT-3'
Protein context (NP_115820.2, residues 1784-1804): ELRQNGLRVS[Ser1794Leu]RRLLDFLDTH

ClinVar aggregate classification (germline): Uncertain significance (1 of 4 stars; one submission).

Conditions:
Fanconi anemia (FA). Also called: Fanconi's anemia. Identifiers: Orphanet 84, MedGen C0015625, MeSH D005199, MONDO:0019391.

Allele frequency attached by ClinVar (database versions not stated): gnomAD 0.00001; gnomAD exomes 0.00001; TOPMed 0.00001; ExAC 0.00002.
gnomAD v4.1: 14 of 1,613,914 alleles (0.00087%); highest among the groups gnomAD compares: Admixed American, 0.0017%; no homozygotes.

Submission:

Labcorp Genetics (formerly Invitae), Labcorp
Classification: Uncertain significance for Fanconi anemia. Last evaluated: 2023-09-25. Review status: criteria provided, single submitter. Criteria: Invitae Variant Classification Sherloc (09022015). Collection method: clinical testing. Allele origin: germline.
Comment: This variant is present in population databases (rs774442734, gnomAD 0.002%). This variant has not been reported in the literature in individuals affected with SLX4-related conditions. An algorithm developed to predict the effect of missense changes on protein structure and function (PolyPhen-2) suggests that this variant is likely to be tolerated. In summary, the available evidence is currently insufficient to determine the role of this variant in disease. Therefore, it has been classified as a Variant of Uncertain Significance. This sequence change replaces serine, which is neutral and polar, with leucine, which is neutral and non-polar, at codon 1794 of the SLX4 protein (p.Ser1794Leu).